The following is an entry in ClinVar:

ClinVar aggregate classification (germline): Uncertain significance. Review status: criteria provided, multiple submitters, no conflicts (2 of 4 stars). 2 submissions from 2 submitters: Uncertain significance (2). Last evaluated 2023-05-03.

Conditions:
SHORT syndrome. Also called: SHORT STATURE, HYPEREXTENSIBILITY, HERNIA, OCULAR DEPRESSION, RIEGER ANOMALY, AND TEETHING DELAY; PIK3R1-Related SHORT Syndrome; LIPODYSTROPHY, PARTIAL, WITH RIEGER ANOMALY AND SHORT STATURE. Identifiers: Orphanet 3163, MedGen C0878684, MONDO:0010026, OMIM 269880.
Agammaglobulinemia 7, autosomal recessive (AGM7). Also called: AGAMMAGLOBULINEMIA, AUTOSOMAL RECESSIVE, DUE TO PIK3R1 DEFECT. Identifiers: MedGen C3554689, MONDO:0014083, OMIM 615214.
Immunodeficiency 36 with lymphoproliferation. Also called: ACTIVATED PI3K-DELTA SYNDROME 2; Immunodeficiency 36; Activated PI3K Delta Syndrome Type 2 (APDS2). Identifiers: Orphanet 397596, Orphanet 693681, MedGen C4014934, MONDO:0014453, OMIM 616005.

Submissions (2):

GeneDx
Classification: Uncertain significance. Last evaluated: 2023-05-03. Review status: criteria provided, single submitter. Criteria: GeneDx Variant Classification Process June 2021. Collection method: clinical testing. Allele origin: germline. Affected: yes.
Comment: Not observed at significant frequency in large population cohorts (gnomAD); In silico analysis supports that this missense variant has a deleterious effect on protein structure/function; Has not been previously published as pathogenic or benign to our knowledge

Labcorp Genetics (formerly Invitae), Labcorp
Classification: Uncertain significance for SHORT syndrome; Immunodeficiency 36 with lymphoproliferation; Agammaglobulinemia 7, autosomal recessive. Last evaluated: 2022-06-07. Review status: criteria provided, single submitter. Criteria: Invitae Variant Classification Sherloc (09022015). Collection method: clinical testing. Allele origin: germline.
Comment: This sequence change replaces serine, which is neutral and polar, with cysteine, which is neutral and slightly polar, at codon 533 of the PIK3R1 protein (p.Ser533Cys). This variant is not present in population databases (gnomAD no frequency). This variant has not been reported in the literature in individuals affected with PIK3R1-related conditions. Algorithms developed to predict the effect of missense changes on protein structure and function are either unavailable or do not agree on the potential impact of this missense change (SIFT: "Deleterious"; PolyPhen-2: "Probably Damaging"; Align-GVGD: "Class C15"). In summary, the available evidence is currently insufficient to determine the role of this variant in disease. Therefore, it has been classified as a Variant of Uncertain Significance.

NM_181523.3(PIK3R1):c.1598C>G (p.Ser533Cys)

Gene: PIK3R1 (phosphoinositide-3-kinase regulatory subunit 1; plus strand). Cytogenetic location: 5q13.1.
Variant type: single nucleotide variant.
Coding change: c.1598C>G on transcript NM_181523.3 (MANE Select); coding-DNA position 1598, C replaced by G.
Protein change: p.Ser533Cys; replaces serine 533 with cysteine.
Molecular consequence: missense variant.
Genome position (GRCh38, 1-based): chr5:68,295,177, C>G. VCF-style: chr5-68295177-C-G. GRCh37 (hg19) VCF-style: chr5-67591005-C-G.
Other names: c.1598C>G (NM_181523.2); c.509C>G, p.Ser170Cys (NM_001242466.2); c.788C>G, p.Ser263Cys (NM_181504.4); c.698C>G, p.Ser233Cys (NM_181524.2); short protein forms S263C, S533C, S170C, S233C.
Identifiers: ClinVar variation 2094719 (VCV002094719.5), dbSNP rs1747638906, ClinGen allele CA359882637.
Genomic context (GRCh38, chr5:68,295,177, plus strand): 5'-ATAATAACAAATACGTTTCTTTTGCCTGCAGGATTATGCATAATTATGATAAGTTGAAGT[C>G]TCGAATCAGTGAAATTATTGACAGTAGAAGAAGATTGGAAGAAGACTTGAAGAAGCAGGC-3'
Protein context (NP_852664.1, residues 523-543): RIMHNYDKLK[Ser533Cys]RISEIIDSRR